The following is an entry in ClinVar:

ClinVar aggregate classification (germline): Benign (1 of 4 stars; one submission).

Conditions:
Charcot-Marie-Tooth disease dominant intermediate C (CMTDIC). Also called: CHARCOT-MARIE-TOOTH NEUROPATHY, DOMINANT INTERMEDIATE C. Identifiers: Orphanet 100045, MedGen C1842237, MONDO:0012012, OMIM 608323.

Allele frequency attached by ClinVar (database versions not stated): gnomAD 0.00011 and 0.00013; gnomAD exomes 0.00013; 1000 Genomes Project 30x 0.00094; TOPMed 0.00012; 1000 Genomes Project 0.00060.
gnomAD v4.1: 29 of 227,680 alleles (0.013%); highest among the groups gnomAD compares: East Asian, 0.27%; no homozygotes.

Submission:

Illumina Laboratory Services, Illumina
Classification: Benign for Charcot-Marie-Tooth disease dominant intermediate C. Last evaluated: 2018-01-13. Review status: criteria provided, single submitter. Criteria: ICSL Variant Classification Criteria 13 December 2019. Collection method: clinical testing. Allele origin: germline.
Comment: This variant was observed in the ICSL laboratory as part of a predisposition screen in an ostensibly healthy population. It had not been previously curated by ICSL or reported in the Human Gene Mutation Database (HGMD: prior to June 1st, 2018), and was therefore a candidate for classification through an automated scoring system. Utilizing variant allele frequency, disease prevalence and penetrance estimates, and inheritance mode, an automated score was calculated to assess if this variant is too frequent to cause the disease. Based on the score and internal cut-off values, a variant classified as benign is not then subjected to further curation. The score for this variant resulted in a classification of benign for this disease.

NM_003680.3(YARS1):c.-437G>A

Genes: S100PBP (S100P binding protein; plus strand), YARS1 (tyrosyl-tRNA synthetase 1; minus strand). Cytogenetic location: 1p35.1.
Variant type: single nucleotide variant.
Coding change: c.-437G>A on transcript NM_003680.3; 437 bases upstream of the start codon, G replaced by A.
Molecular consequence: 5 prime UTR variant (on NM_022753.4). On other transcripts: intron variant (1).
Genome position (GRCh38, 1-based): chr1:32,817,681, C>T on the plus strand (G>A on the coding strand, the complement: YARS1 is on the minus strand). VCF-style: chr1-32817681-C-T. GRCh37 (hg19) VCF-style: chr1-33283282-C-T.
Other names: c.-128C>T (NM_022753.4); c.-120+82C>T (NM_001256121.2).
Identifiers: ClinVar variation 297169 (VCV000297169.7), dbSNP rs537314587, ClinGen allele CA10611006.
Genomic context (GRCh38, chr1:32,817,681, plus strand): 5'-GCGATAAAATGGCGCAGGGGGCGGAGTGAGGCGCAGTCGTTCGCCCAGGCTTTGGCCCGG[C>T]TTCCGGAGGTGAAGAGCGGGAGGGACGAGGGGGTCGGCGTTACCCGGCTTGGAGGGGGAT-3'